The following is an entry in ClinVar:

ClinVar aggregate classification (germline): Uncertain significance. Review status: criteria provided, multiple submitters, no conflicts (2 of 4 stars). 2 submissions from 2 submitters: Uncertain significance (2). Last evaluated 2023-03-22.

Conditions:
Hereditary cancer-predisposing syndrome. Also called: Hereditary neoplastic syndrome; Tumor predisposition; Hereditary Cancer Syndrome; Neoplastic Syndromes, Hereditary. Identifiers: Orphanet 140162, MedGen C0027672, MeSH D009386, MONDO:0015356.
DICER1-related tumor predisposition. Also called: DICER1 syndrome; DICER1-related pleuropulmonary blastoma cancer predisposition syndrome. Identifiers: Orphanet 284343, MedGen C3839822, MONDO:0100216.

Submissions (2):

Ambry Genetics
Classification: Uncertain significance for Hereditary cancer-predisposing syndrome. Last evaluated: 2023-03-22. Review status: criteria provided, single submitter. Criteria: Ambry Variant Classification Scheme 2023. Collection method: clinical testing. Allele origin: germline.

Labcorp Genetics (formerly Invitae), Labcorp
Classification: Uncertain significance for DICER1-related tumor predisposition. Last evaluated: 2018-06-18. Review status: criteria provided, single submitter. Criteria: Invitae Variant Classification Sherloc (09022015). Collection method: clinical testing. Allele origin: germline.
Comment: In summary, the available evidence is currently insufficient to determine the role of this variant in disease. Therefore, it has been classified as a Variant of Uncertain Significance. This sequence change replaces proline with serine at codon 1382 of the DICER1 protein (p.Pro1382Ser). The proline residue is highly conserved and there is a moderate physicochemical difference between proline and serine. This variant is not present in population databases (ExAC no frequency). This variant has not been reported in the literature in individuals with DICER1-related disease. Algorithms developed to predict the effect of missense changes on protein structure and function (SIFT, PolyPhen-2, Align-GVGD) all suggest that this variant is likely to be disruptive, but these predictions have not been confirmed by published functional studies and their clinical significance is uncertain.

NM_177438.3(DICER1):c.4144C>T (p.Pro1382Ser)

Gene: DICER1 (dicer 1, ribonuclease III; minus strand). Cytogenetic location: 14q32.13.
Variant type: single nucleotide variant.
Coding change: c.4144C>T on transcript NM_177438.3 (MANE Select); coding-DNA position 4144, C replaced by T.
Protein change: p.Pro1382Ser; replaces proline 1382 with serine.
Molecular consequence: missense variant.
Genome position (GRCh38, 1-based): chr14:95,099,842, G>A on the plus strand (C>T on the coding strand, the complement: DICER1 is on the minus strand). VCF-style: chr14-95099842-G-A. GRCh37 (hg19) VCF-style: chr14-95566179-G-A.
Other names: c.4144C>T, p.Pro1382Ser (NM_001195573.1, NM_001271282.3, NM_001291628.2 and 1 more transcripts); short protein forms P1382S.
Identifiers: ClinVar variation 578353 (VCV000578353.11), dbSNP rs1566761556, ClinGen allele CA390871946.